The following is an entry in ClinVar:

NM_000138.5(FBN1):c.380G>T (p.Gly127Val)

Gene: FBN1 (fibrillin 1; minus strand). Cytogenetic location: 15q21.1.
Variant type: single nucleotide variant.
Coding change: c.380G>T on transcript NM_000138.5 (MANE Select); coding-DNA position 380, G replaced by T.
Protein change: p.Gly127Val; replaces glycine 127 with valine.
Molecular consequence: missense variant.
Genome position (GRCh38, 1-based): chr15:48,600,201, C>A on the plus strand (G>T on the coding strand, the complement: FBN1 is on the minus strand). VCF-style: chr15-48600201-C-A. GRCh37 (hg19) VCF-style: chr15-48892398-C-A.
Other names: c.380G>T, p.Gly127Val (NM_001406716.1, NM_001406717.1); short protein forms G127V.
Identifiers: ClinVar variation 2954013 (VCV002954013.3), dbSNP rs1566935524, ClinGen allele CA392446570.
Genomic context (GRCh38, chr15:48,600,201, plus strand): 5'-TGTCCACAGTGAGTCCCTATGTATCCTTTCTGGCATAGACAGTGATCGTCACTGCAGCTA[C>A]CTCCATTCATACAGCGAATATTGCAGTGTTGTACTTGAAAAAAAAGAAGAAGAATTCACT-3'
Protein context (NP_000129.3, residues 117-137): QHCNIRCMNG[Gly127Val]SCSDDHCLCQ

ClinVar aggregate classification (germline): Uncertain significance (1 of 4 stars; one submission).

Conditions:
Marfan syndrome (MFS). Also called: MARFAN SYNDROME, TYPE I; Marfan syndrome type 1; Marfan's syndrome; Marfan syndrome, classic; FBN1-Related Marfan Syndrome. Identifiers: Orphanet 284963, Orphanet 558, MedGen C0024796, MONDO:0007947, OMIM 154700.
Familial thoracic aortic aneurysm and aortic dissection (TAAD). Also called: Thoracic aortic aneurysms and dissections. Identifiers: Orphanet 91387, MedGen C4707243, MONDO:0019625.

Submission:

Labcorp Genetics (formerly Invitae), Labcorp
Classification: Uncertain significance for Marfan syndrome; Familial thoracic aortic aneurysm and aortic dissection. Last evaluated: 2024-01-28. Review status: criteria provided, single submitter. Criteria: Invitae Variant Classification Sherloc (09022015). Collection method: clinical testing. Allele origin: germline.
Comment: This sequence change replaces glycine, which is neutral and non-polar, with valine, which is neutral and non-polar, at codon 127 of the FBN1 protein (p.Gly127Val). This variant is not present in population databases (gnomAD no frequency). This missense change has been observed in individual(s) with clinical features of Marfan syndrome (Invitae). Advanced modeling of protein sequence and biophysical properties (such as structural, functional, and spatial information, amino acid conservation, physicochemical variation, residue mobility, and thermodynamic stability) performed at Invitae indicates that this missense variant is expected to disrupt FBN1 protein function with a positive predictive value of 95%. In summary, the available evidence is currently insufficient to determine the role of this variant in disease. Therefore, it has been classified as a Variant of Uncertain Significance.